The following is an entry in ClinVar:

ClinVar aggregate classification (germline): Uncertain significance (1 of 4 stars; one submission).

Conditions:
Spondyloenchondrodysplasia with immune dysregulation (SPENCDI). Also called: ROIFMAN IMMUNOSKELETAL SYNDROME; COMBINED IMMUNODEFICIENCY WITH AUTOIMMUNITY AND SPONDYLOMETAPHYSEAL DYSPLASIA; SPONDYLOENCHONDRODYSPLASIA WITH OR WITHOUT IMMUNE DYSREGULATION. Identifiers: Orphanet 1855, MedGen C1842763, MONDO:0011939, OMIM 607944.

Submission:

Labcorp Genetics (formerly Invitae), Labcorp
Classification: Uncertain significance for Spondyloenchondrodysplasia with immune dysregulation. Last evaluated: 2023-11-28. Review status: criteria provided, single submitter. Criteria: Invitae Variant Classification Sherloc (09022015). Collection method: clinical testing. Allele origin: germline.
Comment: This sequence change replaces threonine with arginine at codon 183 of the ACP5 protein (p.Thr183Arg). The threonine residue is moderately conserved and there is a moderate physicochemical difference between threonine and arginine. This variant is not present in population databases (gnomAD no frequency). This variant has not been reported in the literature in individuals affected with ACP5-related conditions. ClinVar contains an entry for this variant (Variation ID: 1364657). Advanced modeling of protein sequence and biophysical properties (such as structural, functional, and spatial information, amino acid conservation, physicochemical variation, residue mobility, and thermodynamic stability) performed at Invitae indicates that this missense variant is not expected to disrupt ACP5 protein function with a negative predictive value of 80%. In summary, the available evidence is currently insufficient to determine the role of this variant in disease. Therefore, it has been classified as a Variant of Uncertain Significance.

NM_001611.5(ACP5):c.548C>G (p.Thr183Arg)

Gene: ACP5 (acid phosphatase 5, tartrate resistant; minus strand). Cytogenetic location: 19p13.2.
Variant type: single nucleotide variant.
Coding change: c.548C>G on transcript NM_001611.5 (MANE Select); coding-DNA position 548, C replaced by G.
Protein change: p.Thr183Arg; replaces threonine 183 with arginine.
Molecular consequence: missense variant.
Genome position (GRCh38, 1-based): chr19:11,576,430, G>C on the plus strand (C>G on the coding strand, the complement: ACP5 is on the minus strand). VCF-style: chr19-11576430-G-C. GRCh37 (hg19) VCF-style: chr19-11687245-G-C.
Other names: c.548C>G, p.Thr183Arg (NM_001111034.3, NM_001111035.3, NM_001111036.3 and 1 more transcripts); short protein forms T183R.
Identifiers: ClinVar variation 1364657 (VCV001364657.6), dbSNP rs371719196, ClinGen allele CA404146705.